The following is an entry in ClinVar:

NM_004252.5(NHERF1):c.425A>G (p.Lys142Arg)

Genes: NHERF1 (NHERF family PDZ scaffold protein 1; plus strand), SLC9A3R1-AS1 (SLC9A3R1 antisense RNA 1; minus strand). Cytogenetic location: 17q25.1.
Variant type: single nucleotide variant.
Coding change: c.425A>G on transcript NM_004252.5 (MANE Select); coding-DNA position 425, A replaced by G.
Protein change: p.Lys142Arg; replaces lysine 142 with arginine.
Molecular consequence: missense variant.
Genome position (GRCh38, 1-based): chr17:74,749,271, A>G. VCF-style: chr17-74749271-A-G. GRCh37 (hg19) VCF-style: chr17-72745410-A-G.
Other names: c.425A>G (NM_004252.3); short protein forms K142R.
Identifiers: ClinVar variation 1001301 (VCV001001301.10), dbSNP rs1381259383, ClinGen allele CA400936902.

ClinVar aggregate classification (germline): Uncertain significance. Review status: criteria provided, multiple submitters, no conflicts (2 of 4 stars). 3 submissions from 3 submitters: Uncertain significance (3). Last evaluated 2025-08-27.

Conditions:
Inborn genetic diseases. Identifiers: MedGen C0950123, MeSH D030342.
Hypophosphatemic nephrolithiasis/osteoporosis 2. Identifiers: Orphanet 244305, MedGen C2676782, MONDO:0012851, OMIM 612287.

Allele frequency attached by ClinVar (database versions not stated): gnomAD exomes 0.00001 and 0.00002.
gnomAD v4.1: 5 of 1,529,498 alleles (0.00033%); highest among the groups gnomAD compares: Admixed American, 0.004%; no homozygotes.

Submissions (3):

Ambry Genetics
Classification: Uncertain significance for Inborn genetic diseases. Last evaluated: 2025-08-27. Review status: criteria provided, single submitter. Criteria: Ambry Variant Classification Scheme 2023. Collection method: clinical testing. Allele origin: germline.

Fulgent Genetics
Classification: Uncertain significance for Hypophosphatemic nephrolithiasis/osteoporosis 2. Last evaluated: 2021-07-02. Review status: criteria provided, single submitter. Criteria: ACMG Guidelines, 2015. Collection method: clinical testing. Allele origin: unknown.

Labcorp Genetics (formerly Invitae), Labcorp
Classification: Uncertain significance. Last evaluated: 2020-10-19. Review status: criteria provided, single submitter. Criteria: Invitae Variant Classification Sherloc (09022015). Collection method: clinical testing. Allele origin: germline.
Comment: This sequence change replaces lysine with arginine at codon 142 of the SLC9A3R1 protein (p.Lys142Arg). The lysine residue is weakly conserved and there is a small physicochemical difference between lysine and arginine. In summary, the available evidence is currently insufficient to determine the role of this variant in disease. Therefore, it has been classified as a Variant of Uncertain Significance. Algorithms developed to predict the effect of missense changes on protein structure and function output the following: SIFT: "Tolerated"; PolyPhen-2: "Benign"; Align-GVGD: "Class C0". The arginine amino acid residue is found in multiple mammalian species, suggesting that this missense change does not adversely affect protein function. These predictions have not been confirmed by published functional studies and their clinical significance is uncertain. This variant has not been reported in the literature in individuals with SLC9A3R1-related conditions. The frequency data for this variant in the population databases is considered unreliable, as metrics indicate insufficient coverage at this position in the ExAC database.